The following is an entry in ClinVar:

ClinVar aggregate classification (germline): Uncertain significance (1 of 4 stars; one submission).

Allele frequency attached by ClinVar (database versions not stated): 1000 Genomes Project 30x 0.00016; gnomAD exomes 0.00027 and 0.00047; gnomAD 0.00030 and 0.00032; TOPMed 0.00031.
gnomAD v4.1: 643 of 1,446,682 alleles (0.044%); highest among the groups gnomAD compares: Middle Eastern, 0.073%; 1 homozygote.

Submission:

Labcorp Genetics (formerly Invitae), Labcorp
Classification: Uncertain significance. Last evaluated: 2024-10-27. Review status: criteria provided, single submitter. Criteria: Invitae Variant Classification Sherloc (09022015). Collection method: clinical testing. Allele origin: germline.
Comment: This sequence change replaces arginine, which is basic and polar, with glycine, which is neutral and non-polar, at codon 45 of the GAS1 protein (p.Arg45Gly). This variant is present in population databases (no rsID available, gnomAD 0.05%). This variant has not been reported in the literature in individuals affected with GAS1-related conditions. ClinVar contains an entry for this variant (Variation ID: 1482552). An algorithm developed to predict the effect of missense changes on protein structure and function (PolyPhen-2) suggests that this variant is likely to be disruptive. In summary, the available evidence is currently insufficient to determine the role of this variant in disease. Therefore, it has been classified as a Variant of Uncertain Significance.

NM_002048.3(GAS1):c.133C>G (p.Arg45Gly)

Genes: GAS1 (growth arrest specific 1; minus strand), LOC130001973 (ATAC-STARR-seq lymphoblastoid silent region 19999; plus strand). Cytogenetic location: 9q21.33.
Variant type: single nucleotide variant.
Coding change: c.133C>G on transcript NM_002048.3 (MANE Select); coding-DNA position 133, C replaced by G.
Protein change: p.Arg45Gly; replaces arginine 45 with glycine.
Molecular consequence: missense variant.
Genome position (GRCh38, 1-based): chr9:86,946,647, G>C on the plus strand (C>G on the coding strand, the complement: GAS1 is on the minus strand). VCF-style: chr9-86946647-G-C. GRCh37 (hg19) VCF-style: chr9-89561562-G-C.
Other names: short protein forms R45G.
Identifiers: ClinVar variation 1482552 (VCV001482552.8), dbSNP rs922820794, ClinGen allele CA196114773.